The following is an entry in ClinVar:

ClinVar aggregate classification (germline): Benign/Likely benign. Review status: criteria provided, multiple submitters, no conflicts (2 of 4 stars). 5 submissions from 5 submitters: Benign (2); Likely benign (3). Last evaluated 2026-01-16.

Conditions:
Hereditary cancer-predisposing syndrome. Also called: Neoplastic Syndromes, Hereditary; Hereditary Cancer Syndrome; Tumor predisposition; Hereditary neoplastic syndrome. Identifiers: Orphanet 140162, MedGen C0027672, MeSH D009386, MONDO:0015356.
Tuberous sclerosis 2 (TSC2). Identifiers: Orphanet 805, MedGen C1860707, MONDO:0013199, OMIM 613254.

gnomAD v4.1: 2 of 1,612,532 alleles (0.00012%); highest among the groups gnomAD compares: Non-Finnish European, 0.00017%; no homozygotes.

Submissions (5):

Labcorp Genetics (formerly Invitae), Labcorp
Classification: Likely benign for Tuberous sclerosis 2. Last evaluated: 2026-01-16. Review status: criteria provided, single submitter. Criteria: Invitae Variant Classification Sherloc (09022015). Collection method: clinical testing. Allele origin: germline.

Myriad Genetics, Inc.
Classification: Benign for Tuberous sclerosis 2. Last evaluated: 2025-06-02. Review status: criteria provided, single submitter. Criteria: Myriad Autosomal Dominant, Autosomal Recessive and X-Linked Classification Criteria (2023). Collection method: clinical testing. Allele origin: unknown.
Comment: This variant is considered benign. This variant is a silent/synonymous amino acid change and it is not expected to impact splicing.

Genome-Nilou Lab
Classification: Benign for Tuberous sclerosis 2. Last evaluated: 2021-11-07. Review status: criteria provided, single submitter. Criteria: ACMG Guidelines, 2015. Collection method: clinical testing. Allele origin: germline. Affected: no.

Blueprint Genetics
Classification: Likely benign. Last evaluated: 2021-08-05. Review status: criteria provided, single submitter. Criteria: ACMG Guidelines, 2015. Collection method: clinical testing. Allele origin: germline.

Ambry Genetics
Classification: Likely benign for Hereditary cancer-predisposing syndrome. Last evaluated: 2015-04-12. Review status: criteria provided, single submitter. Criteria: Ambry Variant Classification Scheme 2023. Collection method: clinical testing. Allele origin: germline.

NM_000548.5(TSC2):c.4137G>T (p.Ser1379=)

Gene: TSC2 (TSC complex subunit 2; plus strand). Cytogenetic location: 16p13.3.
Variant type: single nucleotide variant.
Coding change: c.4137G>T on transcript NM_000548.5 (MANE Select); coding-DNA position 4137, G replaced by T.
Protein change: p.Ser1379=; no amino-acid change (serine 1379 retained).
Molecular consequence: synonymous variant.
Genome position (GRCh38, 1-based): chr16:2,084,359, G>T. VCF-style: chr16-2084359-G-T. GRCh37 (hg19) VCF-style: chr16-2134360-G-T.
Other names: c.3936G>T, p.Ser1312= (NM_001077183.3); c.4068G>T, p.Ser1356= (NM_001114382.3); c.3828G>T, p.Ser1276= (NM_001318827.2); c.3792G>T, p.Ser1264= (NM_001318829.2); c.3405G>T, p.Ser1135= (NM_001318831.2); c.3969G>T, p.Ser1323= (NM_001318832.2); c.3939G>T, p.Ser1313= (NM_001363528.2); c.4005G>T, p.Ser1335= (NM_001370404.1); and 1 more.
Identifiers: ClinVar variation 231256 (VCV000231256.20), dbSNP rs769653533, ClinGen allele CA10579899.